The following is an entry in ClinVar:

ClinVar aggregate classification (germline): Likely benign. Review status: criteria provided, multiple submitters, no conflicts (2 of 4 stars). 4 submissions from 4 submitters: Likely benign (2). 2 of the submissions do not count toward it. Last evaluated 2025-01-23.

Conditions:
Hereditary cancer-predisposing syndrome. Also called: Tumor predisposition; Neoplastic Syndromes, Hereditary; Hereditary Cancer Syndrome; Hereditary neoplastic syndrome. Identifiers: Orphanet 140162, MedGen C0027672, MeSH D009386, MONDO:0015356.
POLD1-related disorder. Also called: POLD1-related condition; POLD1-related disorders.
POLD1-related polyposis and colorectal cancer syndrome (CRCS10). Also called: Colorectal cancer 10; COLORECTAL CANCER, SUSCEPTIBILITY TO, ON CHROMOSOME 19q; Colorectal cancer, susceptibility to, 10. Identifiers: Orphanet 220460, MedGen C2675481, MONDO:0012953, OMIM 612591.

Allele frequency attached by ClinVar (database versions not stated): gnomAD 0.00001; TOPMed 0.00002; ESP Exome Variant Server 0.00008.
gnomAD v4.1: 1 of 1,613,940 alleles (0.000062%); highest among the groups gnomAD compares: African/African-American, 0.0013%; no homozygotes.

Submissions (4):

Labcorp Genetics (formerly Invitae), Labcorp
Classification: Likely benign for POLD1-related polyposis and colorectal cancer syndrome. Last evaluated: 2025-01-23. Review status: criteria provided, single submitter. Criteria: Invitae Variant Classification Sherloc (09022015). Collection method: clinical testing. Allele origin: germline.

Ambry Genetics
Classification: Likely benign for Hereditary cancer-predisposing syndrome. Last evaluated: 2019-12-09. Review status: criteria provided, single submitter. Criteria: Ambry Variant Classification Scheme 2023. Collection method: clinical testing. Allele origin: germline.

PreventionGenetics, part of Exact Sciences
Classification: Likely benign for POLD1-related condition. Last evaluated: 2019-03-04. Review status: no assertion criteria provided. Collection method: clinical testing. Allele origin: germline. Not counted in ClinVar's aggregate classification.
Comment: This variant is classified as likely benign based on ACMG/AMP sequence variant interpretation guidelines (Richards et al. 2015 PMID: 25741868, with internal and published modifications).

True Health Diagnostics
Classification: Uncertain significance for Hereditary cancer-predisposing syndrome. Last evaluated: 2017-10-25. Review status: no assertion criteria provided. Collection method: clinical testing. Allele origin: germline. Not counted in ClinVar's aggregate classification.

NM_002691.4(POLD1):c.429C>T (p.Gly143=)

Gene: POLD1 (DNA polymerase delta 1, catalytic subunit; plus strand). Cytogenetic location: 19q13.33.
Variant type: single nucleotide variant.
Coding change: c.429C>T on transcript NM_002691.4 (MANE Select); coding-DNA position 429, C replaced by T.
Protein change: p.Gly143=; no amino-acid change (glycine 143 retained).
Molecular consequence: synonymous variant. On other transcripts: non-coding transcript variant (1).
Genome position (GRCh38, 1-based): chr19:50,401,890, C>T. VCF-style: chr19-50401890-C-T. GRCh37 (hg19) VCF-style: chr19-50905147-C-T.
Other names: c.429C>T, p.Gly143= (NM_001256849.1, NM_001308632.1).
Identifiers: ClinVar variation 549724 (VCV000549724.14), dbSNP rs372244044, ClinGen allele CA309599176.